The following is an entry in ClinVar:

NM_002474.3(MYH11):c.4914G>T (p.Lys1638Asn)

Genes: MYH11 (myosin heavy chain 11; minus strand), NDE1 (nudE neurodevelopment protein 1; plus strand). Cytogenetic location: 16p13.11.
Variant type: single nucleotide variant.
Coding change: c.4914G>T on transcript NM_002474.3 (MANE Select); coding-DNA position 4914, G replaced by T.
Protein change: p.Lys1638Asn; replaces lysine 1638 with asparagine.
Molecular consequence: missense variant. On other transcripts: intron variant (2).
Genome position (GRCh38, 1-based): chr16:15,720,190, C>A on the plus strand (G>T on the coding strand, the complement: MYH11 is on the minus strand). VCF-style: chr16-15720190-C-A. GRCh37 (hg19) VCF-style: chr16-15814047-C-A.
Other names: c.4935G>T, p.Lys1645Asn (NM_001040113.2, NM_001040114.2); c.4914G>T, p.Lys1638Asn (NM_022844.3); c.948-4001C>A (NM_001143979.2, NM_017668.3); short protein forms K1638N, K1645N.
Identifiers: ClinVar variation 2793956 (VCV002793956.2), dbSNP rs769970169, ClinGen allele CA394852338.

ClinVar aggregate classification (germline): Uncertain significance (1 of 4 stars; one submission).

Conditions:
Aortic aneurysm, familial thoracic 4 (AAT4). Also called: AORTIC ANEURYSM/AORTIC DISSECTION AND PATENT DUCTUS ARTERIOSUS. Identifiers: MedGen C1851504, MONDO:0007568, OMIM 132900.

Submission:

Labcorp Genetics (formerly Invitae), Labcorp
Classification: Uncertain significance for Aortic aneurysm, familial thoracic 4. Last evaluated: 2024-01-12. Review status: criteria provided, single submitter. Criteria: Invitae Variant Classification Sherloc (09022015). Collection method: clinical testing. Allele origin: germline.
Comment: This sequence change replaces lysine, which is basic and polar, with asparagine, which is neutral and polar, at codon 1645 of the MYH11 protein (p.Lys1645Asn). This variant is not present in population databases (gnomAD no frequency). This variant has not been reported in the literature in individuals affected with MYH11-related conditions. Advanced modeling of protein sequence and biophysical properties (such as structural, functional, and spatial information, amino acid conservation, physicochemical variation, residue mobility, and thermodynamic stability) performed at Invitae indicates that this missense variant is not expected to disrupt MYH11 protein function with a negative predictive value of 95%. In summary, the available evidence is currently insufficient to determine the role of this variant in disease. Therefore, it has been classified as a Variant of Uncertain Significance.